The following is an entry in ClinVar:

ClinVar aggregate classification (germline): Conflicting classifications of pathogenicity. Review status: criteria provided, conflicting classifications (1 of 4 stars). 3 submissions from 3 submitters: Likely pathogenic (1); Uncertain significance (2). Last evaluated 2026-01-30.

Conditions:
Mucopolysaccharidosis type 1. Also called: IDUA deficiency; MPS I; Mucopolysaccharidosis Type I. Identifiers: Orphanet 579, MedGen C0023786, MONDO:0001586.

Allele frequency attached by ClinVar (database versions not stated): gnomAD exomes below 0.00001; TOPMed 0.00002; gnomAD 0.00003.
gnomAD v4.1: 5 of 1,543,486 alleles (0.00032%); highest among the groups gnomAD compares: African/African-American, 0.0068%; no homozygotes.

Submissions (3):

Labcorp Genetics (formerly Invitae), Labcorp
Classification: Likely pathogenic for Mucopolysaccharidosis type 1. Last evaluated: 2026-01-30. Review status: criteria provided, single submitter. Criteria: Invitae Variant Classification Sherloc (09022015). Collection method: clinical testing. Allele origin: germline.
Comment: This sequence change replaces cysteine, which is neutral and slightly polar, with phenylalanine, which is neutral and non-polar, at codon 541 of the IDUA protein (p.Cys541Phe). This variant is not present in population databases (gnomAD no frequency). This missense change has been observed in individuals with clinical features of mucopolysaccharidosis type I (internal data). ClinVar contains an entry for this variant (Variation ID: 1310518). Invitae Evidence Modeling of protein sequence and biophysical properties (such as structural, functional, and spatial information, amino acid conservation, physicochemical variation, residue mobility, and thermodynamic stability) indicates that this missense variant is expected to disrupt IDUA protein function with a positive predictive value of 95%. In summary, the currently available evidence indicates that the variant is pathogenic, but additional data are needed to prove that conclusively. Therefore, this variant has been classified as Likely Pathogenic.

Revvity Omics, Revvity
Classification: Uncertain significance. Last evaluated: 2024-08-21. Review status: criteria provided, single submitter. Criteria: ACMG Guidelines, 2015. Collection method: clinical testing. Allele origin: germline.

GeneDx
Classification: Uncertain significance. Last evaluated: 2019-11-21. Review status: criteria provided, single submitter. Criteria: GeneDx Variant Classification Process June 2021. Collection method: clinical testing. Allele origin: germline. Affected: yes.
Comment: Has not been previously published as pathogenic or benign to our knowledge; Not observed in large population cohorts (Lek et al., 2016); In silico analysis, which includes protein predictors and evolutionary conservation, supports a deleterious effect; In-silico analysis, which includes splice predictors and evolutionary conservation, is inconclusive as to whether the variant alters gene splicing. In the absence of RNA/functional studies, the actual effect of this sequence change is unknown.

NM_000203.5(IDUA):c.1622G>T (p.Cys541Phe)

Gene: IDUA (alpha-L-iduronidase; plus strand). Cytogenetic location: 4p16.3.
Variant type: single nucleotide variant.
Coding change: c.1622G>T on transcript NM_000203.5 (MANE Select); coding-DNA position 1622, G replaced by T.
Protein change: p.Cys541Phe; replaces cysteine 541 with phenylalanine.
Molecular consequence: missense variant. On other transcripts: non-coding transcript variant (1).
Genome position (GRCh38, 1-based): chr4:1,003,442, G>T. VCF-style: chr4-1003442-G-T. GRCh37 (hg19) VCF-style: chr4-997230-G-T.
Other names: c.1226G>T, p.Cys409Phe (NM_001363576.1); short protein forms C409F, C541F.
Identifiers: ClinVar variation 1310518 (VCV001310518.7), dbSNP rs950213013, ClinGen allele CA91170824.